The following is an entry in ClinVar:

NM_000187.4(HGD):c.652del

Gene: HGD (homogentisate 1,2-dioxygenase; minus strand). Cytogenetic location: 3q13.33.
Variant type: Deletion.
Coding change: c.652del on transcript NM_000187.4 (MANE Select); coding-DNA position 652, one base deleted (G; older notation c.652delG).
Molecular consequence: splice acceptor variant.
Genome position (GRCh38, 1-based): chr3:120,644,441, C deleted on the plus strand (G on the coding strand, the reverse complement: HGD is on the minus strand); the first of 4 consecutive C bases (chr3:120,644,441-120,644,444); deleting any one gives the same sequence. VCF-style (leftmost placement, unchanged base first): chr3-120644440-GC-G. GRCh37 (hg19) VCF-style: chr3-120363287-GC-G.
Identifiers: ClinVar variation 189061 (VCV000189061.13), dbSNP rs786204662, ClinGen allele CA277987.
Genomic context (GRCh38, chr3:120,644,440, plus strand): 5'-TGGCGATCCTCATACCAGGCAATGGGTATCAAGAAATCACGAGGATTGGCCAAGCCATTG[GC>G]CCCTAGAAAACAGTAACCCAAAAGTCTTTTAGAAACTTCCAAAACATAGGAAAGATGCCC-3'

ClinVar aggregate classification (germline): Pathogenic. Review status: criteria provided, single submitter (1 of 4 stars). 3 submissions from 3 submitters: Pathogenic (1). 2 of the submissions do not count toward it. Last evaluated 2022-08-10.

Conditions:
Alkaptonuria (AKU). Also called: Alcaptonuria; Alkaptonuric ochronosis; HOMOGENTISIC ACID OXIDASE DEFICIENCY; Homogentisic acidura. Identifiers: Orphanet 56, MedGen C0002066, MONDO:0008753, OMIM 203500.

Submissions (3):

Labcorp Genetics (formerly Invitae), Labcorp
Classification: Pathogenic for Alkaptonuria. Last evaluated: 2022-08-10. Review status: criteria provided, single submitter. Criteria: Invitae Variant Classification Sherloc (09022015). Collection method: clinical testing. Allele origin: germline.
Comment: For these reasons, this variant has been classified as Pathogenic. ClinVar contains an entry for this variant (Variation ID: 189061). This premature translational stop signal has been observed in individual(s) with clinical features of alkaptonuria (PMID: 16085442). This variant is present in population databases (rs786204662, gnomAD 0.0009%). This sequence change creates a premature translational stop signal (p.Ala218Profs*11) in the HGD gene. It is expected to result in an absent or disrupted protein product. Loss-of-function variants in HGD are known to be pathogenic (PMID: 12501223, 19862842).

Counsyl
Classification: Likely pathogenic for Alkaptonuria. Last evaluated: 2014-11-13. Review status: no assertion criteria provided. Collection method: literature only. Allele origin: unknown. Inheritance: Autosomal recessive inheritance. Not counted in ClinVar's aggregate classification.

Department Of Human Genetics, Institute Of Clinical And Translational Research, Biomedical Research Center, Slovak Academy Of Sciences
Classification: Pathogenic for Alkaptonuria. Review status: no assertion criteria provided. Collection method: research. Allele origin: germline. Inheritance: Autosomal recessive inheritance. Affected: yes. Observed: 4 variant alleles. Not counted in ClinVar's aggregate classification.
Comment: The variant was originally described in PMID:11001939. It has been submitted to the HGD gene mutation database (DB-ID: AKU_00069).

Literature cited by the submitters: PubMed 16085442 (cited by Labcorp Genetics (formerly Invitae), Labcorp and Counsyl); PubMed 12501223 (cited by Labcorp Genetics (formerly Invitae), Labcorp); PubMed 19862842 (cited by Labcorp Genetics (formerly Invitae), Labcorp); PubMed 11001939 (cited by Counsyl and Department Of Human Genetics, Institute Of Clinical And Translational Research, Biomedical Research Center, Slovak Academy Of Sciences); PubMed 23519186 (cited by Counsyl).